The following is an entry in ClinVar:

NM_001267550.2(TTN):c.60314T>G (p.Val20105Gly)

Genes: TTN (titin; minus strand), TTN-AS1 (TTN antisense RNA 1; plus strand). Cytogenetic location: 2q31.2.
Variant type: single nucleotide variant.
Coding change: c.60314T>G on transcript NM_001267550.2 (MANE Select); coding-DNA position 60314, T replaced by G.
Protein change: p.Val20105Gly; replaces valine 20105 with glycine.
Molecular consequence: missense variant.
Genome position (GRCh38, 1-based): chr2:178,591,411, A>C on the plus strand (T>G on the coding strand, the complement: TTN is on the minus strand). VCF-style: chr2-178591411-A-C. GRCh37 (hg19) VCF-style: chr2-179456138-A-C.
Other names: p.Val18464Gly; c.52610T>G, p.Val17537Gly (NM_133378.4); c.55391T>G, p.Val18464Gly (NM_001256850.1); c.33119T>G, p.Val11040Gly (NM_003319.4); c.33494T>G, p.Val11165Gly (NM_133432.3); c.33695T>G, p.Val11232Gly (NM_133437.4); short protein forms V17537G, V20105G, V11232G, V18464G, V11040G, V11165G.
Identifiers: ClinVar variation 178853 (VCV000178853.24), dbSNP rs727504490, ClinGen allele CA183158.

ClinVar aggregate classification (germline): Uncertain significance. Review status: criteria provided, multiple submitters, no conflicts (2 of 4 stars). 12 submissions from 12 submitters: Uncertain significance (6). 6 of the submissions do not count toward it. Last evaluated 2024-02-28.

Conditions:
Tip-toe gait. Also called: Toe walking. Identifiers: MedGen C0427144, HP:0030051.

Allele frequency attached by ClinVar (database versions not stated): TOPMed 0.00001; ExAC 0.00002; gnomAD 0.00002 and 0.00003; gnomAD exomes 0.00002 and 0.00003.
gnomAD v4.1: 41 of 1,611,236 alleles (0.0025%); highest among the groups gnomAD compares: Middle Eastern, 0.17%; no homozygotes.

Submissions (12):

Blueprint Genetics
Classification: Uncertain significance. Last evaluated: 2024-02-28. Review status: criteria provided, single submitter. Criteria: ACMG Guidelines, 2015. Collection method: clinical testing. Allele origin: germline.

Mayo Clinic Laboratories, Mayo Clinic
Classification: Uncertain significance. Last evaluated: 2022-07-20. Review status: criteria provided, single submitter. Criteria: ACMG Guidelines, 2015. Collection method: clinical testing. Allele origin: germline. Observed: 2 variant alleles.

GeneDx
Classification: Uncertain significance. Last evaluated: 2021-07-28. Review status: criteria provided, single submitter. Criteria: GeneDx Variant Classification Process June 2021. Collection method: clinical testing. Allele origin: germline. Affected: yes.

Revvity Omics, Revvity
Classification: Uncertain significance. Last evaluated: 2021-06-10. Review status: criteria provided, single submitter. Criteria: ACMG Guidelines, 2015. Collection method: clinical testing. Allele origin: germline.

Eurofins Ntd Llc (ga)
Classification: Uncertain significance. Last evaluated: 2017-10-02. Review status: criteria provided, single submitter. Criteria: EGL Classification Definitions 2015. Collection method: clinical testing. Allele origin: germline. Observed: 1 variant allele, 1 heterozygote.

Laboratory for Molecular Medicine, Mass General Brigham Personalized Medicine
Classification: Uncertain significance. Last evaluated: 2014-02-27. Review status: criteria provided, single submitter. Criteria: LMM Criteria. Collection method: clinical testing. Allele origin: germline. Observed: 2 variant alleles.
Comment: The Val17537Gly variant in TTN has now been identified by our laboratory in 1 in dividual with HCM and 1 individual with ARVC/DCM. It was absent from large popul ation studies. Computational prediction tools and conservation analysis suggest that this variant may impact the protein, though this information is not predict ive enough to determine pathogenicity. Additional information is needed to fully assess the clinical significance of the Val17537Gly variant.

Clinical Genetics DNA and cytogenetics Diagnostics Lab, Erasmus MC, Erasmus Medical Center
Classification: Uncertain significance. Review status: no assertion criteria provided. Collection method: clinical testing. Allele origin: germline. Affected: yes. Study: VKGL Data-share Consensus. Not counted in ClinVar's aggregate classification.

Clinical Genetics, Academic Medical Center
Classification: Uncertain significance. Review status: no assertion criteria provided. Collection method: clinical testing. Allele origin: germline. Affected: yes. Study: VKGL Data-share Consensus. Not counted in ClinVar's aggregate classification.

Diagnostic Laboratory, Department of Genetics, University Medical Center Groningen
Classification: Uncertain significance. Review status: no assertion criteria provided. Collection method: clinical testing. Allele origin: germline. Affected: yes. Study: VKGL Data-share Consensus. Not counted in ClinVar's aggregate classification.

Genome Diagnostics Laboratory, University Medical Center Utrecht
Classification: Uncertain significance. Review status: no assertion criteria provided. Collection method: clinical testing. Allele origin: germline. Affected: yes. Study: VKGL Data-share Consensus. Not counted in ClinVar's aggregate classification.

Joint Genome Diagnostic Labs from Nijmegen and Maastricht, Radboudumc and MUMC+
Classification: Uncertain significance. Review status: no assertion criteria provided. Collection method: clinical testing. Allele origin: germline. Affected: yes. Study: VKGL Data-share Consensus. Not counted in ClinVar's aggregate classification.

Practice for Gait Abnormalities, David Pomarino, Competency Network Toe Walking C/o Practice Pomarino
Classification: Likely pathogenic for Tip-toe gait. Review status: no assertion criteria provided. Collection method: clinical testing. Allele origin: germline. Affected: yes. Not counted in ClinVar's aggregate classification.
Comment: Myopathy refers to diseases that affect skeletal Muscles. These diseases attack muscle fibers, making muscles weak. Inherited myopathies are often caused by inheriting an abnormal gene mutation from a parent that causes the disease. Symptoms of congenital myopathies usually start at birth or in early childhood, but may not appear until the teen years or even later in adulthood. Congenital myopathies are somewhat unique compared with other inherited myopathies, as weakness typically affects all muscles and is often not progressive. Symptoms are: Muscle weakness, most commonly of upper arms and shoulders and thighs, muscle cramps, stiffness and spasms, fatigue with exertion and lack of energy. Our patients all walk on tiptoe, so they show similar symptoms. When we genetically test them with our toe walking panel, we find that around 90 per cent of them have a genetic variant that explains their toe walking. These can be assigned, for example, to the area of myopathies (such as variants of the COL6A3 gene), the area of hereditary neuropathies (such as variants of the KMT2C gene) or the area of metabolic diseases (such as variants of the PYGM gene). In a smaller group of patients with almost identical symptoms, no abnormality is found in the genes of our panel, but spastic paraplegia can be detected. In another small group of our toe walkers, no abnormalities can be detected in the genes analysed in our toe walking panel, nor do they suffer from spastic paraplegia, as is also the case with healthy children. In contrast to these, however, they show a tiptoe gait. These patients suffer from infantile cerebral palsy, in which toe walking can also be observed.

Literature cited by the submitters: PubMed 32746448 (cited by Mayo Clinic Laboratories, Mayo Clinic); PubMed 37091313 (cited by Practice for Gait Abnormalities, David Pomarino, Competency Network Toe Walking C/o Practice Pomarino).